The following is an entry in ClinVar:

NM_001322934.2(NFKB2):c.1470-8_1470-2dup

Gene: NFKB2 (nuclear factor kappa B subunit 2; plus strand). Cytogenetic location: 10q24.32.
Variant type: Duplication.
Coding change: c.1470-8_1470-2dup on transcript NM_001322934.2 (MANE Select); 8 bases into the intron before coding-DNA position 1470 through the canonical splice acceptor site of the intron before coding-DNA position 1470, 7 bases duplicated (ACCCCCA; older notation c.1470-8_1470-2dupACCCCCA).
Molecular consequence: splice acceptor variant.
Genome position (GRCh38, 1-based): chr10:102,400,072-102,400,078, ACCCCCA duplicated; duplicating any 7 consecutive bases within chr10:102,400,067-102,400,078 gives the same sequence; the c. name uses the placement nearest the transcript's 3' end. VCF-style (leftmost placement, unchanged base first): chr10-102400066-T-TCCCCAAC. GRCh37 (hg19) VCF-style: chr10-104159823-T-TCCCCAAC.
Other names: c.1470-8_1470-2dup (NM_001288724.1, NM_001077494.3, NM_001261403.3 and 1 more transcripts); c.1344-8_1344-2dup (NM_001322935.1).
Identifiers: ClinVar variation 1405974 (VCV001405974.5), dbSNP rs762347682, ClinGen allele CA5664829.

ClinVar aggregate classification (germline): Uncertain significance (1 of 4 stars; one submission).

Conditions:
Immunodeficiency, common variable, 10. Also called: IMMUNODEFICIENCY, COMMON VARIABLE, WITH CENTRAL ADRENAL INSUFFICIENCY; DEFICIT IN ANTERIOR PITUITARY FUNCTION AND VARIABLE IMMUNODEFICIENCY. Identifiers: MedGen C3809991, MONDO:0014260, OMIM 615577.

Submission:

Labcorp Genetics (formerly Invitae), Labcorp
Classification: Uncertain significance for Immunodeficiency, common variable, 10. Last evaluated: 2023-10-13. Review status: criteria provided, single submitter. Criteria: Invitae Variant Classification Sherloc (09022015). Collection method: clinical testing. Allele origin: germline.
Comment: This sequence change falls in intron 14 of the NFKB2 gene. It does not directly change the encoded amino acid sequence of the NFKB2 protein. This variant is present in population databases (rs762347682, gnomAD 0.004%). This variant has not been reported in the literature in individuals affected with NFKB2-related conditions. ClinVar contains an entry for this variant (Variation ID: 1405974). In summary, the available evidence is currently insufficient to determine the role of this variant in disease. Therefore, it has been classified as a Variant of Uncertain Significance.